The following is an entry in ClinVar:

ClinVar aggregate classification (germline): Uncertain significance. Review status: criteria provided, multiple submitters, no conflicts (2 of 4 stars). 2 submissions from 2 submitters: Uncertain significance (2). Last evaluated 2024-04-05.

Conditions:
Early-infantile DEE. Also called: Early infantile epileptic encephalopathy with suppression bursts; Ohtahara syndrome; Early infantile epileptic encephalopathy. Identifiers: Orphanet 1934, MedGen C0393706, MONDO:0800491.
Developmental and epileptic encephalopathy, 5 (DEE5). Identifiers: Orphanet 3451, MedGen C3150731, MONDO:0013277, OMIM 613477.

Allele frequency attached by ClinVar (database versions not stated): gnomAD exomes below 0.00001; ExAC 0.00001.
gnomAD v4.1: 1 of 1,614,024 alleles (0.000062%); highest among the groups gnomAD compares: Non-Finnish European, 0.000085%; no homozygotes.

Submissions (2):

Labcorp Genetics (formerly Invitae), Labcorp
Classification: Uncertain significance for Early-infantile DEE. Last evaluated: 2024-04-05. Review status: criteria provided, single submitter. Criteria: Invitae Variant Classification Sherloc (09022015). Collection method: clinical testing. Allele origin: germline.
Comment: This sequence change replaces alanine, which is neutral and non-polar, with threonine, which is neutral and polar, at codon 2378 of the SPTAN1 protein (p.Ala2378Thr). The frequency data for this variant in the population databases is considered unreliable, as metrics indicate poor data quality at this position in the gnomAD database. This variant has not been reported in the literature in individuals affected with SPTAN1-related conditions. ClinVar contains an entry for this variant (Variation ID: 1042134). Advanced modeling of protein sequence and biophysical properties (such as structural, functional, and spatial information, amino acid conservation, physicochemical variation, residue mobility, and thermodynamic stability) has been performed at Invitae for this missense variant, however the output from this modeling did not meet the statistical confidence thresholds required to predict the impact of this variant on SPTAN1 protein function. In summary, the available evidence is currently insufficient to determine the role of this variant in disease. Therefore, it has been classified as a Variant of Uncertain Significance.

New York Genome Center
Classification: Uncertain significance for Developmental and epileptic encephalopathy, 5. Last evaluated: 2021-05-14. Review status: criteria provided, single submitter. Criteria: NYGC Assertion Criteria 2020. Collection method: clinical testing. Allele origin: germline. Observed: 1 heterozygote. Study: CSER-NYCKidSeq.
Comment: The c.7132G>A (p.Ala2378Thr) variant identified in the SPTAN1 gene substitutes a well conserved Alanine for Threonine at amino acid 2378/2478(exon 55/57). This variant is absent from gnomAD(v3.1.1) suggesting it is not a common benign variant in the populations represented in that database. In silico algorithms predict this variant to be Tolerated (SIFT; score: 0.125) and Benign (REVEL; 0.0659) to the function of the canonical transcript. This variant is reported as a Variant of Uncertain Significance in ClinVar (VarID:1042134) and to our current knowledge has not been reported in affected individuals in the literature. Thep.Ala2378 residue is not within a mapped domain of SPTAN1, but is just outside a C-terminal calcium binding domain (UniProtKB:Q13813). Given the lack of compellingevidence for its pathogenicity, the c.7132G>A (p.Ala2378Thr) variant identified in the SPTAN1 gene is reported as a Variant of Uncertain Significance.

NM_001130438.3(SPTAN1):c.7132G>A (p.Ala2378Thr)

Gene: SPTAN1 (spectrin alpha, non-erythrocytic 1; plus strand). Cytogenetic location: 9q34.11.
Variant type: single nucleotide variant.
Coding change: c.7132G>A on transcript NM_001130438.3 (MANE Select); coding-DNA position 7132, G replaced by A.
Protein change: p.Ala2378Thr; replaces alanine 2378 with threonine.
Molecular consequence: missense variant.
Genome position (GRCh38, 1-based): chr9:128,632,690, G>A. VCF-style: chr9-128632690-G-A. GRCh37 (hg19) VCF-style: chr9-131394969-G-A.
Other names: c.7057G>A, p.Ala2353Thr (NM_001195532.2); c.7195G>A, p.Ala2399Thr (NM_001363759.2); c.7072G>A, p.Ala2358Thr (NM_001363765.2, NM_001375314.2); c.7219G>A, p.Ala2407Thr (NM_001375310.1); c.7132G>A, p.Ala2378Thr (NM_001375311.2); c.7168G>A, p.Ala2390Thr (NM_001375312.2); c.7114G>A, p.Ala2372Thr (NM_001375313.1); c.7231G>A, p.Ala2411Thr (NM_001375318.1); and 1 more; short protein forms A2372T, A2390T, A2378T, A2373T, A2399T, A2411T, A2353T, A2358T.
Identifiers: ClinVar variation 1042134 (VCV001042134.10), dbSNP rs767301092, ClinGen allele CA5266010.